The following is an entry in ClinVar:

NM_000051.4(ATM):c.8786+7G>C

Genes: C11orf65 (chromosome 11 open reading frame 65; minus strand), ATM (ATM serine/threonine kinase; plus strand). Cytogenetic location: 11q22.3.
Variant type: single nucleotide variant.
Coding change: c.8786+7G>C on transcript NM_000051.4 (MANE Select); 7 bases into the intron after coding-DNA position 8786, G replaced by C.
Molecular consequence: intron variant.
Genome position (GRCh38, 1-based): chr11:108,353,887, G>C. VCF-style: chr11-108353887-G-C. GRCh37 (hg19) VCF-style: chr11-108224614-G-C.
Other names: c.640+32033C>G (NM_001330368.2); c.695-18595C>G (NM_001351110.2); c.8786+7G>C (NM_001351834.2).
Identifiers: ClinVar variation 3254292 (VCV003254292.1), dbSNP rs1555142923.

ClinVar aggregate classification (germline): Likely benign (1 of 4 stars; one submission).

Conditions:
Familial cancer of breast. Also called: hereditary breast carcinoma; BREAST CANCER, FAMILIAL; Hereditary breast cancer. Identifiers: Orphanet 227535, MedGen C0346153, MONDO:0016419, OMIM 114480. Disease mechanism: loss of function.

Submission:

Myriad Genetics, Inc.
Classification: Likely benign for Familial cancer of breast. Last evaluated: 2024-06-20. Review status: criteria provided, single submitter. Criteria: Myriad Autosomal Dominant, Autosomal Recessive and X-Linked Classification Criteria (2023). Collection method: clinical testing. Allele origin: unknown.
Comment: This variant is considered likely benign. This variant is intronic and is not expected to impact mRNA splicing.